The following is an entry in ClinVar:

ClinVar aggregate classification (germline): Benign/Likely benign. Review status: criteria provided, multiple submitters, no conflicts (2 of 4 stars). 2 submissions from 2 submitters: Benign (1); Likely benign (1). Last evaluated 2018-01-13.

Conditions:
Episodic ataxia type 5. Identifiers: Orphanet 211067, MedGen C1866039, MONDO:0013464, OMIM 613855.

Allele frequency attached by ClinVar (database versions not stated): 1000 Genomes Project 30x 0.00312; 1000 Genomes Project 0.00339; gnomAD 0.00454 and 0.00481; TOPMed 0.00533.

Submissions (2):

Illumina Laboratory Services, Illumina
Classification: Benign for Episodic ataxia type 5. Last evaluated: 2018-01-13. Review status: criteria provided, single submitter. Criteria: ICSL Variant Classification Criteria 13 December 2019. Collection method: clinical testing. Allele origin: germline.
Comment: This variant was observed in the ICSL laboratory as part of a predisposition screen in an ostensibly healthy population. It had not been previously curated by ICSL or reported in the Human Gene Mutation Database (HGMD: prior to June 1st, 2018), and was therefore a candidate for classification through an automated scoring system. Utilizing variant allele frequency, disease prevalence and penetrance estimates, and inheritance mode, an automated score was calculated to assess if this variant is too frequent to cause the disease. Based on the score and internal cut-off values, a variant classified as benign is not then subjected to further curation. The score for this variant resulted in a classification of benign for this disease.

Breakthrough Genomics
Classification: Likely benign. Review status: criteria provided, single submitter. Criteria: ACMG Guidelines, 2015. Collection method: not provided. Allele origin: germline. Inheritance: Autosomal dominant inheritance. Affected: yes.

NM_000726.5(CACNB4):c.*2391T>G

Gene: CACNB4 (calcium voltage-gated channel auxiliary subunit beta 4; minus strand). Cytogenetic location: 2q23.3.
Variant type: single nucleotide variant.
Coding change: c.*2391T>G on transcript NM_000726.5 (MANE Select); 2391 bases downstream of the stop codon, T replaced by G.
Molecular consequence: 3 prime UTR variant.
Genome position (GRCh38, 1-based): chr2:151,836,728, A>C on the plus strand (T>G on the coding strand, the complement: CACNB4 is on the minus strand). VCF-style: chr2-151836728-A-C. GRCh37 (hg19) VCF-style: chr2-152693242-A-C.
Other names: c.*2391T>G (NM_001005746.4, NM_001005747.4, NM_001145798.3 and 7 more transcripts).
Identifiers: ClinVar variation 331587 (VCV000331587.7), dbSNP rs143821304, ClinGen allele CA10611389.